The following is an entry in ClinVar:

NM_033641.4(COL4A6):c.2411C>T (p.Thr804Ile)

Gene: COL4A6 (collagen type IV alpha 6 chain; minus strand). Cytogenetic location: Xq22.3.
Variant type: single nucleotide variant.
Coding change: c.2411C>T on transcript NM_033641.4 (MANE Select); coding-DNA position 2411, C replaced by T.
Protein change: p.Thr804Ile; replaces threonine 804 with isoleucine.
Molecular consequence: missense variant.
Genome position (GRCh38, 1-based): chrX:108,178,788, G>A on the plus strand (C>T on the coding strand, the complement: COL4A6 is on the minus strand). VCF-style: chrX-108178788-G-A. GRCh37 (hg19) VCF-style: chrX-107422018-G-A.
Other names: c.2462C>T, p.Thr821Ile (NM_001287758.2); c.2411C>T, p.Thr804Ile (NM_001287759.2, NM_001287760.2); c.2414C>T, p.Thr805Ile (NM_001847.4); short protein forms T805I, T821I, T804I.
Identifiers: ClinVar variation 1998379 (VCV001998379.4), dbSNP rs2034581904, ClinGen allele CA413858737.

ClinVar aggregate classification (germline): Uncertain significance (1 of 4 stars; one submission).

Allele frequency attached by ClinVar (database versions not stated): gnomAD exomes below 0.00001; gnomAD 0.00001.
gnomAD v4.1: 6 of 1,209,813 alleles (0.0005%); highest among the groups gnomAD compares: African/African-American, 0.0017%; no homozygotes.

Submission:

Labcorp Genetics (formerly Invitae), Labcorp
Classification: Uncertain significance. Last evaluated: 2022-04-08. Review status: criteria provided, single submitter. Criteria: Invitae Variant Classification Sherloc (09022015). Collection method: clinical testing. Allele origin: germline.
Comment: This sequence change replaces threonine, which is neutral and polar, with isoleucine, which is neutral and non-polar, at codon 805 of the COL4A6 protein (p.Thr805Ile). This variant is not present in population databases (gnomAD no frequency). This variant has not been reported in the literature in individuals affected with COL4A6-related conditions. Algorithms developed to predict the effect of missense changes on protein structure and function output the following: SIFT: "Tolerated"; PolyPhen-2: "Benign"; Align-GVGD: "Class C0". The isoleucine amino acid residue is found in multiple mammalian species, which suggests that this missense change does not adversely affect protein function. In summary, the available evidence is currently insufficient to determine the role of this variant in disease. Therefore, it has been classified as a Variant of Uncertain Significance.